The following is an entry in ClinVar:

NM_000393.5(COL5A2):c.1159-246T>C

Gene: COL5A2 (collagen type V alpha 2 chain; minus strand). Cytogenetic location: 2q32.2.
Variant type: single nucleotide variant.
Coding change: c.1159-246T>C on transcript NM_000393.5 (MANE Select); 246 bases into the intron before coding-DNA position 1159, T replaced by C.
Molecular consequence: intron variant.
Genome position (GRCh38, 1-based): chr2:189,069,130, A>G on the plus strand (T>C on the coding strand, the complement: COL5A2 is on the minus strand). VCF-style: chr2-189069130-A-G. GRCh37 (hg19) VCF-style: chr2-189933856-A-G.
Identifiers: ClinVar variation 679453 (VCV000679453.2), dbSNP rs73978826, ClinGen allele CA62557239.

ClinVar aggregate classification (germline): Likely benign. Review status: criteria provided, multiple submitters, no conflicts (2 of 4 stars). 2 submissions from 2 submitters: Likely benign (2). Last evaluated 2018-06-14.

Allele frequency attached by ClinVar (database versions not stated): 1000 Genomes Project 0.00919; 1000 Genomes Project 30x 0.00937; gnomAD 0.00937 and 0.01006; TOPMed 0.01054.
gnomAD v4.1: 1,405 of 152,244 alleles (0.92%); highest among the groups gnomAD compares: African/African-American, 3.2%; 21 homozygotes.

Submissions (2):

GeneDx
Classification: Likely benign. Last evaluated: 2018-06-14. Review status: criteria provided, single submitter. Criteria: GeneDx Variant Classification (06012015). Collection method: clinical testing. Allele origin: germline. Affected: yes.
Comment: This variant is considered likely benign or benign based on one or more of the following criteria: it is a conservative change, it occurs at a poorly conserved position in the protein, it is predicted to be benign by multiple in silico algorithms, and/or has population frequency not consistent with disease.

Breakthrough Genomics
Classification: Likely benign. Review status: criteria provided, single submitter. Criteria: ACMG Guidelines, 2015. Collection method: not provided. Allele origin: germline. Inheritance: Autosomal dominant inheritance. Affected: yes.